The following is an entry in ClinVar:

ClinVar aggregate classification (germline): Pathogenic/Likely pathogenic. Review status: criteria provided, multiple submitters, no conflicts (2 of 4 stars). 2 submissions from 2 submitters: Pathogenic (1); Likely pathogenic (1). Last evaluated 2014-05-22.

Conditions:
Primary dilated cardiomyopathy (DCM). Also called: Dilated Cardiomyopathy. Identifiers: Orphanet 217604, MedGen C0007193, MeSH D002311, MONDO:0005021, HP:0001644. Inheritance: Various modes of inheritance.

Submissions (2):

Laboratory for Molecular Medicine, Mass General Brigham Personalized Medicine
Classification: Likely pathogenic for Primary dilated cardiomyopathy. Last evaluated: 2014-05-22. Review status: criteria provided, single submitter. Criteria: LMM Criteria. Collection method: clinical testing. Allele origin: germline. Inheritance: Autosomal dominant inheritance. Observed: 2 variant alleles.
Comment: Data from large population studies is insufficient to asses s the frequency of this variant. This variant is predicted to cause a frameshift , which alters the protein?s amino acid sequence beginning at position 24725 and leads to a premature termination codon 3 amino acids downstream. This alteratio n is then predicted to lead to a truncated or absent protein. Frameshift and oth er truncating variants in TTN are strongly associated with DCM and the majority occur in exons encoding for the A-band region of the protein (Herman 2012, Pugh 2014), where this variant is located. In summary, although additional studies ar e required to fully establish its clinical significance, the Phe24725fs variant is likely pathogenic.

GeneDx
Classification: Pathogenic. Last evaluated: 2014-02-14. Review status: criteria provided, single submitter. Criteria: GeneDx Variant Classification (06012015). Collection method: clinical testing. Allele origin: germline. Affected: yes.
Comment: c.76955_76956delTT: p.Phe25652CysfsX3 (F25652CfsX3) in exon 276 of the TTN gene (NM_001256850.1). The normal sequence with the bases that are deleted in braces is: ACTT{delTT}GTTC. Although the c.76955_76956delTT mutation in the TTN gene has not been reported to our knowledge, this mutation causes a shift in reading frame starting at codon Phe25652, changing it to a Cysteine, and creating a premature stop codon at position three of the new reading frame, denoted p.Phe25652CysfsX3. This mutation is expected to result in either an abnormal, truncated protein product or loss of protein from this allele through nonsense-mediated mRNA decay. Other truncating TTN variants have been reported in approximately 3% of control alleles (Herman D et al., 2012). However, c.76955_76956delTT is located in the A-band region of titin, where the majority of truncating mutations associated with DCM have been reported (Herman D et al., 2012). In summary, c.76955_76956delTT in the TTN gene is interpreted as a disease-causing mutation. The variant is found in DCM-CRDM panel(s).

Literature cited by the submitters: PubMed 22335739 (cited by Laboratory for Molecular Medicine, Mass General Brigham Personalized Medicine).

NM_001267550.2(TTN):c.81878_81879del (p.Phe27293fs)

Genes: TTN (titin; minus strand), TTN-AS1 (TTN antisense RNA 1; plus strand). Cytogenetic location: 2q31.2.
Variant type: Deletion.
Coding change: c.81878_81879del on transcript NM_001267550.2 (MANE Select); coding-DNA positions 81878 to 81879, 2 bases deleted (TT; older notation c.81878_81879delTT).
Protein change: p.Phe27293fs; shifts the reading frame from phenylalanine 27293.
Molecular consequence: frameshift variant.
Genome position (GRCh38, 1-based): chr2:178,564,253-178,564,254, AA deleted on the plus strand (TT on the coding strand, the reverse complement: TTN is on the minus strand); deleting any 2 consecutive bases within chr2:178,564,253-178,564,256 gives the same sequence; the c. name uses the placement nearest the transcript's 3' end. VCF-style (leftmost placement, unchanged base first): chr2-178564252-CAA-C. GRCh37 (hg19) VCF-style: chr2-179428979-CAA-C.
Other names: c.74174_74175delTT (NM_133378.4); c.76955_76956del, p.Phe25652fs (NM_001256850.1); c.54683_54684del, p.Phe18228fs (NM_003319.4); c.74174_74175del, p.Phe24725fs (NM_133378.4); c.55058_55059del, p.Phe18353fs (NM_133432.3); c.55259_55260del, p.Phe18420fs (NM_133437.4); c.76955_76956delTT (NM_001256850.1); short protein forms F18228fs, F18420fs, F18353fs, F24725fs, F25652fs, F27293fs.
Identifiers: ClinVar variation 179139 (VCV000179139.5), dbSNP rs727504660, ClinGen allele CA273591.
Genomic context (GRCh38, chr2:178,564,252, plus strand): 5'-TTCCATCTTTTGACCAAACAACATCAGGTATAGGTTTGCCACGGATGTCGGCTTCAAGAA[CAA>C]AAGTCTCTCCTGCATGAACAACGATGACATCTTTATATTTTGGATCCAGAGAGGCATTTG-3'